The following is an entry in ClinVar:

ClinVar aggregate classification (germline): Uncertain significance. Review status: criteria provided, multiple submitters, no conflicts (2 of 4 stars). 2 submissions from 2 submitters: Uncertain significance (2). Last evaluated 2025-08-19.

Conditions:
Cardiovascular phenotype. Identifiers: MedGen CN230736.
Brugada syndrome. Also called: Sudden unexplained nocturnal death syndrome; Sudden Unexplained Death Syndrome; Sudden Unexplained Nocturnal Death Syndrome (SUNDS); Sudden unexpected nocturnal death syndrome. Identifiers: Orphanet 130, MedGen C1142166, MONDO:0015263.

Allele frequency attached by ClinVar (database versions not stated): TOPMed 0.00002.
gnomAD v4.1: 32 of 1,614,100 alleles (0.002%); highest among the groups gnomAD compares: Non-Finnish European, 0.0027%; no homozygotes.

Submissions (2):

Ambry Genetics
Classification: Uncertain significance for Cardiovascular phenotype. Last evaluated: 2025-08-19. Review status: criteria provided, single submitter. Criteria: Ambry Variant Classification Scheme 2023. Collection method: clinical testing. Allele origin: germline.
Comment: The p.R28P variant (also known as c.83G>C), located in coding exon 1 of the KCNJ8 gene, results from a G to C substitution at nucleotide position 83. The arginine at codon 28 is replaced by proline, an amino acid with dissimilar properties. This amino acid position is conserved. In addition, this alteration is predicted to be deleterious by in silico analysis. Since supporting evidence is limited at this time, the clinical significance of this alteration remains unclear.

Labcorp Genetics (formerly Invitae), Labcorp
Classification: Uncertain significance for Brugada syndrome. Last evaluated: 2023-01-15. Review status: criteria provided, single submitter. Criteria: Invitae Variant Classification Sherloc (09022015). Collection method: clinical testing. Allele origin: germline.
Comment: This sequence change replaces arginine, which is basic and polar, with proline, which is neutral and non-polar, at codon 28 of the KCNJ8 protein (p.Arg28Pro). In summary, the available evidence is currently insufficient to determine the role of this variant in disease. Therefore, it has been classified as a Variant of Uncertain Significance. Advanced modeling of protein sequence and biophysical properties (such as structural, functional, and spatial information, amino acid conservation, physicochemical variation, residue mobility, and thermodynamic stability) performed at Invitae indicates that this missense variant is not expected to disrupt KCNJ8 protein function. ClinVar contains an entry for this variant (Variation ID: 222678). This variant has not been reported in the literature in individuals affected with KCNJ8-related conditions. This variant is present in population databases (no rsID available, gnomAD 0.0009%).

NM_004982.4(KCNJ8):c.83G>C (p.Arg28Pro)

Genes: KCNJ8 (potassium inwardly rectifying channel subfamily J member 8; minus strand), KCNJ8-AS1 (KCNJ8 antisense RNA 1; plus strand). Cytogenetic location: 12p12.1.
Variant type: single nucleotide variant.
Coding change: c.83G>C on transcript NM_004982.4 (MANE Select); coding-DNA position 83, G replaced by C.
Protein change: p.Arg28Pro; replaces arginine 28 with proline.
Molecular consequence: missense variant.
Genome position (GRCh38, 1-based): chr12:21,773,534, C>G on the plus strand (G>C on the coding strand, the complement: KCNJ8 is on the minus strand). VCF-style: chr12-21773534-C-G. GRCh37 (hg19) VCF-style: chr12-21926468-C-G.
Other names: short protein forms R28P.
Identifiers: ClinVar variation 222678 (VCV000222678.12), dbSNP rs768851540, ClinGen allele CA070489.
Genomic context (GRCh38, chr12:21,773,534, plus strand): 5'-TTATGCGCCAGGTTGCAGGCCCCGCTCTTGGCGATGAAGCGGGCTTTGGGGAGGCGGTCT[C>G]GGATGCGCGGCTTGCGCAGGTTCTCTGCGGCGATGCGCGCCAGCACATACTCCTCCGGGA-3'
Protein context (NP_004973.1, residues 18-38): AAENLRKPRI[Arg28Pro]DRLPKARFIA